The following is an entry in ClinVar:

NM_004239.4(TRIP11):c.2249G>A (p.Arg750His)

Gene: TRIP11 (thyroid hormone receptor interactor 11; minus strand). Cytogenetic location: 14q32.12.
Variant type: single nucleotide variant.
Coding change: c.2249G>A on transcript NM_004239.4 (MANE Select); coding-DNA position 2249, G replaced by A.
Protein change: p.Arg750His; replaces arginine 750 with histidine.
Molecular consequence: missense variant.
Genome position (GRCh38, 1-based): chr14:92,005,727, C>T on the plus strand (G>A on the coding strand, the complement: TRIP11 is on the minus strand). VCF-style: chr14-92005727-C-T. GRCh37 (hg19) VCF-style: chr14-92472071-C-T.
Other names: c.2246G>A, p.Arg749His (NM_001321851.1); short protein forms R749H, R750H.
Identifiers: ClinVar variation 4737238 (VCV004737238.1).

ClinVar aggregate classification (germline): Uncertain significance (1 of 4 stars; one submission).

Conditions:
Achondrogenesis, type IA (ACG1A). Identifiers: Orphanet 932, Orphanet 93299, MedGen C0265273, MONDO:0008701, OMIM 200600.

gnomAD v4.1: 50 of 1,613,848 alleles (0.0031%); highest among the groups gnomAD compares: South Asian, 0.013%; no homozygotes.

Submission:

Labcorp Genetics (formerly Invitae), Labcorp
Classification: Uncertain significance for Achondrogenesis, type IA. Last evaluated: 2025-08-05. Review status: criteria provided, single submitter. Criteria: Invitae Variant Classification Sherloc (09022015). Collection method: clinical testing. Allele origin: germline.
Comment: This sequence change replaces arginine, which is basic and polar, with histidine, which is basic and polar, at codon 750 of the TRIP11 protein (p.Arg750His). This variant is present in population databases (rs200611568, gnomAD 0.008%). This variant has not been reported in the literature in individuals affected with TRIP11-related conditions. Invitae Evidence Modeling of protein sequence and biophysical properties (such as structural, functional, and spatial information, amino acid conservation, physicochemical variation, residue mobility, and thermodynamic stability) indicates that this missense variant is not expected to disrupt TRIP11 protein function with a negative predictive value of 80%. In summary, the available evidence is currently insufficient to determine the role of this variant in disease. Therefore, it has been classified as a Variant of Uncertain Significance.